The following is an entry in ClinVar:

ClinVar aggregate classification (germline): Benign (0 of 4 stars; one submission).

Conditions:
DHX16-related disorder. Also called: DHX16-related condition.

Allele frequency attached by ClinVar (database versions not stated): 1000 Genomes Project 0.02436; 1000 Genomes Project 30x 0.02436; gnomAD 0.04354; TOPMed 0.04406; ESP Exome Variant Server 0.04822; ExAC 0.04873; gnomAD exomes 0.05544.
gnomAD v4.1: 87,383 of 1,612,648 alleles (5.4%); highest among the groups gnomAD compares: Middle Eastern, 7.9%; 2,833 homozygotes.

Submission:

PreventionGenetics, part of Exact Sciences
Classification: Benign for DHX16-related condition. Last evaluated: 2023-01-12. Review status: no assertion criteria provided. Collection method: clinical testing. Allele origin: germline.
Comment: This variant is classified as benign based on ACMG/AMP sequence variant interpretation guidelines (Richards et al. 2015 PMID: 25741868, with internal and published modifications).

NM_003587.5(DHX16):c.1697A>G (p.Asp566Gly)

Gene: DHX16 (DEAH-box helicase 16; minus strand). Cytogenetic location: 6p21.33.
Variant type: single nucleotide variant.
Coding change: c.1697A>G on transcript NM_003587.5 (MANE Select); coding-DNA position 1697, A replaced by G.
Protein change: p.Asp566Gly; replaces aspartic acid 566 with glycine.
Molecular consequence: missense variant.
Genome position (GRCh38, 1-based): chr6:30,660,090, T>C on the plus strand (A>G on the coding strand, the complement: DHX16 is on the minus strand). VCF-style: chr6-30660090-T-C. GRCh37 (hg19) VCF-style: chr6-30627867-T-C.
Other names: c.1517A>G, p.Asp506Gly (NM_001164239.2); c.254A>G, p.Asp85Gly (NM_001363515.2); short protein forms D506G, D566G, D85G.
Identifiers: ClinVar variation 3055853 (VCV003055853.2), dbSNP rs9262138, ClinGen allele CA3701155.